The following is an entry in ClinVar:

ClinVar aggregate classification (germline): Uncertain significance (1 of 4 stars; one submission).

Conditions:
Long QT syndrome (LQTS). Identifiers: MedGen C0023976, MeSH D008133, MONDO:0002442. Disease mechanism: loss of function. Inheritance: Various modes of inheritance.

Submission:

Labcorp Genetics (formerly Invitae), Labcorp
Classification: Uncertain significance for Long QT syndrome. Last evaluated: 2017-05-18. Review status: criteria provided, single submitter. Criteria: Invitae Variant Classification Sherloc (09022015). Collection method: clinical testing. Allele origin: germline.
Comment: In summary, this variant is a novel missense change with uncertain impact on protein function. It has been classified as a Variant of Uncertain Significance. Algorithms developed to predict the effect of missense changes on protein structure and function do not agree on the potential impact of this missense change (SIFT: "Tolerated"; PolyPhen-2: "Possibly Damaging"; Align-GVGD: "Class C0"). This variant is not present in population databases (ExAC no frequency) and has not been reported in the literature in individuals with a AKAP9-related disease. This sequence change replaces glutamic acid with lysine at codon 2527 of the AKAP9 protein (p.Glu2527Lys). The glutamic acid residue is highly conserved and there is a small physicochemical difference between glutamic acid and lysine.

NM_005751.5(AKAP9):c.7579G>A (p.Glu2527Lys)

Gene: AKAP9 (A-kinase anchoring protein 9; plus strand). Cytogenetic location: 7q21.2.
Variant type: single nucleotide variant.
Coding change: c.7579G>A on transcript NM_005751.5 (MANE Select); coding-DNA position 7579, G replaced by A.
Protein change: p.Glu2527Lys; replaces glutamic acid 2527 with lysine.
Molecular consequence: missense variant.
Genome position (GRCh38, 1-based): chr7:92,079,712, G>A. VCF-style: chr7-92079712-G-A. GRCh37 (hg19) VCF-style: chr7-91709026-G-A.
Other names: c.2224G>A, p.Glu742Lys (NM_001379277.1); c.7555G>A, p.Glu2519Lys (NM_147185.3); short protein forms E2527K, E2519K, E742K.
Identifiers: ClinVar variation 457120 (VCV000457120.8), dbSNP rs1554451207, ClinGen allele CA368136048.